The following is an entry in ClinVar:

NM_000492.4(CFTR):c.1913C>T (p.Pro638Leu)

Gene: CFTR (CF transmembrane conductance regulator; plus strand). Cytogenetic location: 7q31.2.
Variant type: single nucleotide variant.
Coding change: c.1913C>T on transcript NM_000492.4 (MANE Select); coding-DNA position 1913, C replaced by T.
Protein change: p.Pro638Leu; replaces proline 638 with leucine.
Molecular consequence: missense variant.
Genome position (GRCh38, 1-based): chr7:117,592,080, C>T. VCF-style: chr7-117592080-C-T. GRCh37 (hg19) VCF-style: chr7-117232134-C-T.
Other names: short protein forms P638L.
Identifiers: ClinVar variation 618563 (VCV000618563.10), dbSNP rs1562907846, ClinGen allele CA368978775.

ClinVar aggregate classification (germline): Uncertain significance. Review status: criteria provided, multiple submitters, no conflicts (2 of 4 stars). 3 submissions from 3 submitters: Uncertain significance (2). 1 of the submissions does not count toward it. Last evaluated 2025-09-10.

Conditions:
Cystic fibrosis (CF). Also called: MUCOVISCIDOSIS. Identifiers: Orphanet 586, MedGen C0010674, MONDO:0009061, OMIM 219700. Disease mechanism: loss of function.
CFTR-related disorder (CFTR-RD). Also called: CFTR-related disorders; CFTR-related condition. Identifiers: MedGen C5924204, MONDO:7770004.

Submissions (3):

Ambry Genetics
Classification: Uncertain significance for Cystic fibrosis. Last evaluated: 2025-09-10. Review status: criteria provided, single submitter. Criteria: Ambry Variant Classification Scheme 2023. Collection method: clinical testing. Allele origin: germline.
Comment: The p.P638L variant (also known as c.1913C>T), located in coding exon 14 of the CFTR gene, results from a C to T substitution at nucleotide position 1913. The proline at codon 638 is replaced by leucine, an amino acid with similar properties. This amino acid position is conserved. In addition, this alteration is predicted to be deleterious by in silico analysis. Based on the available evidence, the clinical significance of this variant remains unclear.

ARUP Laboratories, Molecular Genetics and Genomics, ARUP Laboratories
Classification: Uncertain significance. Last evaluated: 2018-06-15. Review status: criteria provided, single submitter. Criteria: ARUP Molecular Germline Variant Investigation Process. Collection method: clinical testing. Allele origin: germline.
Comment: The CFTR c.1913C>T; p.Pro638Leu variant, to our knowledge, is not reported in the medical literature or gene specific databases. This variant is also absent from the general population databases (1000 Genomes Project, Exome Variant Server, and Genome Aggregation Database), indicating it is not a common polymorphism. The proline at codon 638 is highly conserved, but computational analyses (SIFT: Tolerated, PolyPhen-2: Probably Damaging) predict conflicting effects of this variant on protein structure/function. Due to limited information, the clinical significance of the p.Pro638Leu variant is uncertain at this time.

Natera, Inc.
Classification: Uncertain significance for CFTR-related disorders. Last evaluated: 2020-08-28. Review status: no assertion criteria provided. Collection method: clinical testing. Allele origin: germline. Not counted in ClinVar's aggregate classification.